The following is an entry in ClinVar:

NM_000240.4(MAOA):c.626C>G (p.Ser209Cys)

Gene: MAOA (monoamine oxidase A; plus strand). Cytogenetic location: Xp11.3.
Variant type: single nucleotide variant.
Coding change: c.626C>G on transcript NM_000240.4 (MANE Select); coding-DNA position 626, C replaced by G.
Protein change: p.Ser209Cys; replaces serine 209 with cysteine.
Molecular consequence: missense variant.
Genome position (GRCh38, 1-based): chrX:43,728,295, C>G. VCF-style: chrX-43728295-C-G. GRCh37 (hg19) VCF-style: chrX-43587542-C-G.
Other names: c.227C>G, p.Ser76Cys (NM_001270458.2); short protein forms S209C, S76C.
Identifiers: ClinVar variation 5017654 (VCV005017654.1).

ClinVar aggregate classification (germline): Uncertain significance (1 of 4 stars; one submission).

Submission:

GeneDx
Classification: Uncertain significance. Last evaluated: 2026-03-26. Review status: criteria provided, single submitter. Criteria: GeneDx Variant Classification Process June 2021. Collection method: clinical testing. Allele origin: germline.
Comment: Not observed at significant frequency in large population cohorts (gnomAD); In silico analysis supports that this missense variant has a deleterious effect on protein structure/function; Has not been previously published as pathogenic or benign to our knowledge